The following is an entry in ClinVar:

NM_001042492.3(NF1):c.7999A>G (p.Thr2667Ala)

Gene: NF1 (neurofibromin 1; plus strand). Cytogenetic location: 17q11.2.
Variant type: single nucleotide variant.
Coding change: c.7999A>G on transcript NM_001042492.3 (MANE Select); coding-DNA position 7999, A replaced by G.
Protein change: p.Thr2667Ala; replaces threonine 2667 with alanine.
Molecular consequence: missense variant.
Genome position (GRCh38, 1-based): chr17:31,358,508, A>G. VCF-style: chr17-31358508-A-G. GRCh37 (hg19) VCF-style: chr17-29685526-A-G.
Other names: c.7936A>G, p.Thr2646Ala (NM_000267.4); short protein forms T2646A, T2667A.
Identifiers: ClinVar variation 1063304 (VCV001063304.5), dbSNP rs995645937, ClinGen allele CA289711055.

ClinVar aggregate classification (germline): Uncertain significance (1 of 4 stars; one submission).

Conditions:
Neurofibromatosis, type 1 (NF1). Also called: NEUROFIBROMATOSIS, TYPE I, SOMATIC; Neurofibromatosis, type I; VON RECKLINGHAUSEN DISEASE; Peripheral type neurofibromatosis. Identifiers: Orphanet 636, MedGen C0027831, MONDO:0018975, OMIM 162200. Disease mechanism: loss of function.

Allele frequency attached by ClinVar (database versions not stated): TOPMed below 0.00001.

Submission:

Labcorp Genetics (formerly Invitae), Labcorp
Classification: Uncertain significance for Neurofibromatosis, type 1. Last evaluated: 2020-01-23. Review status: criteria provided, single submitter. Criteria: Invitae Variant Classification Sherloc (09022015). Collection method: clinical testing. Allele origin: germline.
Comment: In summary, the available evidence is currently insufficient to determine the role of this variant in disease. Therefore, it has been classified as a Variant of Uncertain Significance. Algorithms developed to predict the effect of missense changes on protein structure and function are either unavailable or do not agree on the potential impact of this missense change (SIFT: "Tolerated"; PolyPhen-2: "Probably Damaging"; Align-GVGD: "Class C0"). This variant has not been reported in the literature in individuals with NF1-related conditions. This variant is not present in population databases (ExAC no frequency). This sequence change replaces threonine with alanine at codon 2646 of the NF1 protein (p.Thr2646Ala). The threonine residue is moderately conserved and there is a small physicochemical difference between threonine and alanine.